The following is an entry in ClinVar:

ClinVar aggregate classification (germline): Uncertain significance. Review status: criteria provided, multiple submitters, no conflicts (2 of 4 stars). 3 submissions from 3 submitters: Uncertain significance (3). Last evaluated 2025-02-24.

Conditions:
Glycogen storage disease due to muscle and heart glycogen synthase deficiency. Also called: GSD 0b; MUSCLE GLYCOGEN SYNTHASE DEFICIENCY. Identifiers: Orphanet 137625, MedGen C1969054, MONDO:0012693, OMIM 611556.
Inborn genetic diseases. Identifiers: MedGen C0950123, MeSH D030342.

Allele frequency attached by ClinVar (database versions not stated): gnomAD exomes 0.00001; TOPMed 0.00003; gnomAD 0.00004 and 0.00005.
gnomAD v4.1: 22 of 1,538,142 alleles (0.0014%); highest among the groups gnomAD compares: Non-Finnish European, 0.0016%; no homozygotes.

Submissions (3):

Labcorp Genetics (formerly Invitae), Labcorp
Classification: Uncertain significance for Glycogen storage disease due to muscle and heart glycogen synthase deficiency. Last evaluated: 2025-02-24. Review status: criteria provided, single submitter. Criteria: Invitae Variant Classification Sherloc (09022015). Collection method: clinical testing. Allele origin: germline.
Comment: This sequence change replaces arginine, which is basic and polar, with tryptophan, which is neutral and slightly polar, at codon 638 of the GYS1 protein (p.Arg638Trp). This variant is present in population databases (no rsID available, gnomAD 0.004%). This variant has not been reported in the literature in individuals affected with GYS1-related conditions. ClinVar contains an entry for this variant (Variation ID: 1428619). Invitae Evidence Modeling of protein sequence and biophysical properties (such as structural, functional, and spatial information, amino acid conservation, physicochemical variation, residue mobility, and thermodynamic stability) indicates that this missense variant is expected to disrupt GYS1 protein function with a positive predictive value of 80%. In summary, the available evidence is currently insufficient to determine the role of this variant in disease. Therefore, it has been classified as a Variant of Uncertain Significance.

Ambry Genetics
Classification: Uncertain significance for Inborn genetic diseases. Last evaluated: 2024-10-07. Review status: criteria provided, single submitter. Criteria: Ambry Variant Classification Scheme 2023. Collection method: clinical testing. Allele origin: germline.

Blueprint Genetics
Classification: Uncertain significance. Last evaluated: 2024-08-28. Review status: criteria provided, single submitter. Criteria: ACMG Guidelines, 2015. Collection method: clinical testing. Allele origin: germline.

NM_002103.5(GYS1):c.1912C>T (p.Arg638Trp)

Gene: GYS1 (glycogen synthase 1; minus strand). Cytogenetic location: 19q13.33.
Variant type: single nucleotide variant.
Coding change: c.1912C>T on transcript NM_002103.5 (MANE Select); coding-DNA position 1912, C replaced by T.
Protein change: p.Arg638Trp; replaces arginine 638 with tryptophan.
Molecular consequence: missense variant. On other transcripts: non-coding transcript variant (1).
Genome position (GRCh38, 1-based): chr19:48,969,590, G>A on the plus strand (C>T on the coding strand, the complement: GYS1 is on the minus strand). VCF-style: chr19-48969590-G-A. GRCh37 (hg19) VCF-style: chr19-49472847-G-A.
Other names: c.1912C>T (NM_002103.4); c.1720C>T, p.Arg574Trp (NM_001161587.2); short protein forms R574W, R638W.
Identifiers: ClinVar variation 1428619 (VCV001428619.8), dbSNP rs768327651, ClinGen allele CA309382182.